The following is an entry in ClinVar:

ClinVar aggregate classification (germline): Uncertain significance. Review status: criteria provided, multiple submitters, no conflicts (2 of 4 stars). 3 submissions from 3 submitters: Uncertain significance (3). Last evaluated 2026-03-05.

Conditions:
Charcot-Marie-Tooth disease type 2. Also called: Charcot-Marie-Tooth type 2. Identifiers: Orphanet 64746, MedGen C0270914, MONDO:0018993.
GARS1-related disorder. Also called: GARS1-related condition.

Allele frequency attached by ClinVar (database versions not stated): TOPMed 0.00002; gnomAD exomes 0.00003; gnomAD 0.00004; ExAC 0.00013.

Submissions (3):

PreventionGenetics, part of Exact Sciences
Classification: Uncertain significance for GARS1-related condition. Last evaluated: 2026-03-05. Review status: criteria provided, single submitter. Criteria: ACMG Guidelines, 2015. Collection method: clinical testing. Allele origin: germline.
Comment: The GARS1 c.3G>T variant is predicted to disrupt the translation initiation site (Start Loss). To our knowledge, this variant has not been reported in the literature. This variant is reported in 0.0072% of alleles in individuals of European (Finnish) descent in gnomAD. An alternate nucleotide change that impacts the start codon (c.2T>A, p.Met1Lys) has been reported in a patient with amyotrophic lateral sclerosis (Table S2, Liu et al. 2021. PubMed ID: 34275688). At this time, the clinical significance of this variant is uncertain due to the absence of conclusive functional and genetic evidence.

Labcorp Genetics (formerly Invitae), Labcorp
Classification: Uncertain significance for Charcot-Marie-Tooth disease type 2. Last evaluated: 2026-01-19. Review status: criteria provided, single submitter. Criteria: Invitae Variant Classification Sherloc (09022015). Collection method: clinical testing. Allele origin: germline.
Comment: This sequence change affects the initiator codon of the GARS mRNA. This change may impact translation initiation or efficiency. The next in-frame methionine is located at codon 55. The frequency data for this variant in the population databases is considered unreliable, as metrics indicate poor data quality at this position in the gnomAD database. Disruption of the initiator codon has been observed in individual(s) with GARS-related conditions (PMID: 34275688). ClinVar contains an entry for this variant (Variation ID: 1053662). In summary, the available evidence is currently insufficient to determine the role of this variant in disease. Therefore, it has been classified as a Variant of Uncertain Significance.

Ambry Genetics
Classification: Uncertain significance. Last evaluated: 2020-02-27. Review status: criteria provided, single submitter. Criteria: Ambry Variant Classification Scheme 2023. Collection method: clinical testing. Allele origin: germline.
Comment: The p.M1? variant (also known as c.3G>T) is located in coding exon 1 of the GARS gene and results from a G to T substitution at nucleotide position 3. This alters the methionine residue at the initiation codon. Variations that modify the initiation codon (ATG) are expected to result in either loss of translation initiation, N-terminal truncation, or cause a shift in the mRNA reading frame; however there is an alternate in-frame methionine 55 amino acids from the initiation site and the significance of the N-terminus for this protein is not well established. Since supporting evidence is limited at this time, the clinical significance of this alteration remains unclear.

Literature cited by the submitters: PubMed 34275688 (cited by Labcorp Genetics (formerly Invitae), Labcorp).

NM_002047.4(GARS1):c.3G>T (p.Met1Ile)

Gene: GARS1 (glycyl-tRNA synthetase 1; plus strand). Cytogenetic location: 7p14.3.
Variant type: single nucleotide variant.
Coding change: c.3G>T on transcript NM_002047.4 (MANE Select); coding-DNA position 3, G replaced by T.
Protein change: p.Met1Ile; changes the start codon (methionine 1).
Molecular consequence: missense variant, initiator codon variant. On other transcripts: 5 prime UTR variant (1).
Genome position (GRCh38, 1-based): chr7:30,594,924, G>T. VCF-style: chr7-30594924-G-T. GRCh37 (hg19) VCF-style: chr7-30634540-G-T.
Other names: c.-160G>T (NM_001316772.1); c.3G>T (NM_002047.3); short protein forms M1I.
Identifiers: ClinVar variation 1053662 (VCV001053662.12), dbSNP rs781520666, ClinGen allele CA4205558.